The following is an entry in ClinVar:

NM_002476.2(MYL4):c.373C>T (p.Arg125Cys)

Gene: MYL4 (myosin light chain 4; plus strand). Cytogenetic location: 17q21.32.
Variant type: single nucleotide variant.
Coding change: c.373C>T on transcript NM_002476.2 (MANE Select); coding-DNA position 373, C replaced by T.
Protein change: p.Arg125Cys; replaces arginine 125 with cysteine.
Molecular consequence: missense variant.
Genome position (GRCh38, 1-based): chr17:47,221,741, C>T. VCF-style: chr17-47221741-C-T. GRCh37 (hg19) VCF-style: chr17-45299107-C-T.
Other names: c.373C>T, p.Arg125Cys (NM_001002841.2); c.373C>T (NM_001002841.1); short protein forms R125C.
Identifiers: ClinVar variation 1449264 (VCV001449264.9), dbSNP rs745710105, ClinGen allele CA8622731.

ClinVar aggregate classification (germline): Uncertain significance. Review status: criteria provided, multiple submitters, no conflicts (2 of 4 stars). 2 submissions from 2 submitters: Uncertain significance (2). Last evaluated 2025-12-09.

Conditions:
Atrial fibrillation, familial, 18 (ATFB18). Identifiers: MedGen C4310636, MONDO:0015001, OMIM 617280.

Allele frequency attached by ClinVar (database versions not stated): gnomAD 0.00001; TOPMed 0.00001; ExAC 0.00002; gnomAD exomes 0.00002.
gnomAD v4.1: 29 of 1,613,998 alleles (0.0018%); highest among the groups gnomAD compares: South Asian, 0.0044%; no homozygotes.

Submissions (2):

Ambry Genetics
Classification: Uncertain significance. Last evaluated: 2025-12-09. Review status: criteria provided, single submitter. Criteria: Ambry Variant Classification Scheme 2023. Collection method: clinical testing. Allele origin: germline.

Labcorp Genetics (formerly Invitae), Labcorp
Classification: Uncertain significance for Atrial fibrillation, familial, 18. Last evaluated: 2025-03-19. Review status: criteria provided, single submitter. Criteria: Invitae Variant Classification Sherloc (09022015). Collection method: clinical testing. Allele origin: germline.
Comment: This sequence change replaces arginine, which is basic and polar, with cysteine, which is neutral and slightly polar, at codon 125 of the MYL4 protein (p.Arg125Cys). This variant is present in population databases (rs745710105, gnomAD 0.006%). This variant has not been reported in the literature in individuals affected with MYL4-related conditions. ClinVar contains an entry for this variant (Variation ID: 1449264). An algorithm developed to predict the effect of missense changes on protein structure and function (PolyPhen-2) suggests that this variant is likely to be disruptive. In summary, the available evidence is currently insufficient to determine the role of this variant in disease. Therefore, it has been classified as a Variant of Uncertain Significance.